The following is an entry in ClinVar:

ClinVar aggregate classification (germline): Uncertain significance (1 of 4 stars; one submission).

Conditions:
Inborn genetic diseases. Identifiers: MedGen C0950123, MeSH D030342.

Submission:

Ambry Genetics
Classification: Uncertain significance for Inborn genetic diseases. Last evaluated: 2022-12-11. Review status: criteria provided, single submitter. Criteria: Ambry Variant Classification Scheme 2023. Collection method: clinical testing. Allele origin: germline.
Comment: The p.D1380N variant (also known as c.4138G>A), located in coding exon 22 of the ATR gene, results from a G to A substitution at nucleotide position 4138. The aspartic acid at codon 1380 is replaced by asparagine, an amino acid with highly similar properties. This amino acid position is conserved. In addition, this alteration is predicted to be tolerated by in silico analysis. Since supporting evidence is limited at this time, the clinical significance of this alteration remains unclear.

NM_001184.4(ATR):c.4138G>A (p.Asp1380Asn)

Gene: ATR (ATR checkpoint kinase; minus strand). Cytogenetic location: 3q23.
Variant type: single nucleotide variant.
Coding change: c.4138G>A on transcript NM_001184.4 (MANE Select); coding-DNA position 4138, G replaced by A.
Protein change: p.Asp1380Asn; replaces aspartic acid 1380 with asparagine.
Molecular consequence: missense variant.
Genome position (GRCh38, 1-based): chr3:142,524,007, C>T on the plus strand (G>A on the coding strand, the complement: ATR is on the minus strand). VCF-style: chr3-142524007-C-T. GRCh37 (hg19) VCF-style: chr3-142242849-C-T.
Other names: c.3946G>A, p.Asp1316Asn (NM_001354579.2); short protein forms D1380N, D1316N.
Identifiers: ClinVar variation 2453544 (VCV002453544.2), dbSNP rs2033265246, ClinGen allele CA354802021.